The following is an entry in ClinVar:

ClinVar aggregate classification (germline): Conflicting classifications of pathogenicity. Review status: criteria provided, conflicting classifications (1 of 4 stars). 3 submissions from 3 submitters: Pathogenic (1); Uncertain significance (1). 1 of the submissions does not count toward it. Last evaluated 2025-11-01.

Conditions:
Platelet-type bleeding disorder 15 (BDPLT15). Also called: MACROTHROMBOCYTOPENIA, AUTOSOMAL DOMINANT, ACTN1-RELATED. Identifiers: Orphanet 140957, MedGen C3554663, MONDO:0014078, OMIM 615193.

Submissions (3):

Labcorp Genetics (formerly Invitae), Labcorp
Classification: Uncertain significance. Last evaluated: 2025-11-01. Review status: criteria provided, single submitter. Criteria: Invitae Variant Classification Sherloc (09022015). Collection method: clinical testing. Allele origin: germline.
Comment: This sequence change replaces arginine, which is basic and polar, with glutamine, which is neutral and polar, at codon 738 of the ACTN1 protein (p.Arg738Gln). This variant is not present in population databases (gnomAD no frequency). This missense change has been observed in individual(s) with thrombocytopenia (PMID: 25949529, 28562514, 38103590). It has also been observed to segregate with disease in related individuals. ClinVar contains an entry for this variant (Variation ID: 1684471). An algorithm developed to predict the effect of missense changes on protein structure and function (PolyPhen-2) suggests that this variant is likely to be disruptive. In summary, the available evidence is currently insufficient to determine the role of this variant in disease. Therefore, it has been classified as a Variant of Uncertain Significance.

Women's Health and Genetics/Laboratory Corporation of America, LabCorp
Classification: Pathogenic for Platelet-type bleeding disorder 15. Last evaluated: 2023-02-03. Review status: criteria provided, single submitter. Criteria: LabCorp Variant Classification Summary - May 2015. Collection method: clinical testing. Allele origin: germline.
Comment: Variant summary: ACTN1 c.2213G>A (p.Arg738Gln) results in a conservative amino acid change in the encoded protein sequence. Three of five in-silico tools predict a benign effect of the variant on protein function. The variant was absent in 251470 control chromosomes. c.2213G>A has been reported in the literature in multiple individuals affected with macrothrombocytopenia and heritable bleeding and platelet disorders (e.g., Westbury_2015, Boutroux_2017). These data indicate that the variant is very likely to be associated with disease. To our knowledge, no experimental evidence demonstrating an impact on protein function has been reported. No clinical diagnostic laboratories have submitted clinical-significance assessments for this variant to ClinVar after 2014. In addition, p.R738W and p.R738G have been classified as pathogenic/likely pathogenic in ClinVar and p.R738W is reported to associate with macrothrombocytopenia (HGMD database). Based on the evidence outlined above, the variant was classified as pathogenic.

ISTH-SSC Genomics in Thrombosis and Hemostasis, KU Leuven, Center for Molecular and Vascular Biology
Classification: Likely pathogenic for Platelet-type bleeding disorder 15. Review status: no assertion criteria provided. Collection method: research. Allele origin: unknown. Affected: yes. Not counted in ClinVar's aggregate classification.
Comment: Submitted to GoldVariant by Neil Morgan from Birmingham Platelet Group, Birmingham, UK

Literature cited by the submitters: PubMed 25949529 (cited by Labcorp Genetics (formerly Invitae), Labcorp and Women's Health and Genetics/Laboratory Corporation of America, LabCorp); PubMed 28562514 (cited by Labcorp Genetics (formerly Invitae), Labcorp and Women's Health and Genetics/Laboratory Corporation of America, LabCorp); PubMed 38103590 (cited by Labcorp Genetics (formerly Invitae), Labcorp).

NM_001130004.2(ACTN1):c.2213G>A (p.Arg738Gln)

Gene: ACTN1 (actinin alpha 1; minus strand). Cytogenetic location: 14q24.1.
Variant type: single nucleotide variant.
Coding change: c.2213G>A on transcript NM_001130004.2 (MANE Select); coding-DNA position 2213, G replaced by A.
Protein change: p.Arg738Gln; replaces arginine 738 with glutamine.
Molecular consequence: missense variant.
Genome position (GRCh38, 1-based): chr14:68,880,029, C>T on the plus strand (G>A on the coding strand, the complement: ACTN1 is on the minus strand). VCF-style: chr14-68880029-C-T. GRCh37 (hg19) VCF-style: chr14-69346746-C-T.
Other names: c.2213G>A, p.Arg738Gln (NM_001102.4, NM_001130005.2); short protein forms R738Q.
Identifiers: ClinVar variation 1684471 (VCV001684471.4), dbSNP rs2140067871, ClinGen allele CA390181675.
Genomic context (GRCh38, chr14:68,880,029, plus strand): 5'-AAGTGGTTGAAGGAGGCCCGGAACTCATTCATCTGCTCCTGGCTGATGCCCTTGGCATCC[C>T]GGGTCAGGATCTGGTTCTCTACCTCATTGATGGTCCTGGCGATGGTGGTGAGCAGCTGCT-3'
Protein context (NP_001123476.1, residues 728-748): INEVENQILT[Arg738Gln]DAKGISQEQM